The following is an entry in ClinVar:

NM_006019.4(TCIRG1):c.553del (p.Leu185fs)

Gene: TCIRG1 (T cell immune regulator 1, ATPase H+ transporting V0 subunit a3; plus strand). Cytogenetic location: 11q13.2.
Variant type: Deletion.
Coding change: c.553del on transcript NM_006019.4 (MANE Select); coding-DNA position 553, one base deleted (C; older notation c.553delC).
Protein change: p.Leu185fs; shifts the reading frame from leucine 185.
Molecular consequence: frameshift variant. On other transcripts: 5 prime UTR variant (2).
Genome position (GRCh38, 1-based): chr11:68,043,420, C deleted; the last of 2 consecutive C bases (chr11:68,043,419-68,043,420); deleting either gives the same sequence. VCF-style (leftmost placement, unchanged base first): chr11-68043418-GC-G. GRCh37 (hg19) VCF-style: chr11-67810885-GC-G.
Other names: c.553delC (NM_006019.4); c.-358del (NM_001351059.2); c.-96del (NM_006053.4); short protein forms L185fs.
Identifiers: ClinVar variation 978470 (VCV000978470.6), dbSNP rs1855280375, ClinGen allele CA1139662064.
Genomic context (GRCh38, chr11:68,043,418, plus strand): 5'-CCGTGGCCGCCAGCTTTGTGGCAGGTGCCGTGGAGCCCCACAAGGCCCCTGCCCTAGAGC[GC>G]CTGCTCTGGAGGGCCTGCCGCGGCTTCCTCATTGCCAGCTTCAGGGAGCTGGAGCAGCCG-3'

ClinVar aggregate classification (germline): Pathogenic. Review status: criteria provided, multiple submitters, no conflicts (2 of 4 stars). 2 submissions from 2 submitters: Pathogenic (2). Last evaluated 2022-05-20.

Conditions:
Autosomal recessive osteopetrosis 1. Also called: ALBERS-SCHONBERG DISEASE, AUTOSOMAL RECESSIVE; TCIRG1-Related Autosomal Recessive Osteopetrosis; TCIRG1-Related Osteopetrosis. Identifiers: Orphanet 667, MedGen C1850127, MONDO:0009815, OMIM 259700.

Submissions (2):

Molecular Lab, Department of Haematology, Christian Medical College
Classification: Pathogenic for Autosomal recessive osteopetrosis 1. Last evaluated: 2022-05-20. Review status: criteria provided, single submitter. Criteria: ACMG Guidelines, 2015. Collection method: clinical testing. Allele origin: germline. Affected: yes. Observed: 1 variant allele.

Diagnostics Services (NGS), CSIR - Centre For Cellular And Molecular Biology
Classification: Pathogenic for Autosomal recessive osteopetrosis 1. Last evaluated: 2020-09-04. Review status: criteria provided, single submitter. Criteria: ACMG Guidelines, 2015. Collection method: clinical testing. Allele origin: germline. Inheritance: Autosomal recessive inheritance. Affected: yes. Observed: 1 homozygote.
Comment: The c.553del variant is not present in publicly available population databases like 1000 Genomes, Exome Variant Server (EVS), Exome Aggregation Consortium (ExAC), Genome Aggregation Database (gnomAD) and dbSNP. The variant is not present in our in-house exome database. The variant was not earlier reported to ClinVar, OMIM and Human Genome Mutation Database (HGMD) in any affected individuals. In-silico pathogenicity prediction programs like MutationTaster2, CADD etc. predicted this variant to be likely deleterious. The variant causes a frameshift at 185thamino acid position that creates stop codon at 209thamino acid position of the altered transcript. This may either cause a nonsense mediated decay of the mRNA resulting in no protein or a truncated protein due to premature stop codon. The variant meets our criteria to be classified as pathogenic.